The following is an entry in ClinVar:

ClinVar aggregate classification (germline): Uncertain significance (1 of 4 stars; one submission).

Conditions:
Periodic fever-infantile enterocolitis-autoinflammatory syndrome. Also called: Autoinflammation with infantile enterocolitis. Identifiers: Orphanet 436166, MedGen C4015067, MONDO:0014472, OMIM 616050.
Familial cold autoinflammatory syndrome 4 (FCAS4). Identifiers: Orphanet 47045, Orphanet 576349, MedGen C4015276, MONDO:0014498, OMIM 616115.

Allele frequency attached by ClinVar (database versions not stated): gnomAD exomes below 0.00001.
gnomAD v4.1: 1 of 1,614,226 alleles (0.000062%); highest among the groups gnomAD compares: Non-Finnish European, 0.000085%; no homozygotes.

Submission:

Labcorp Genetics (formerly Invitae), Labcorp
Classification: Uncertain significance for Periodic fever-infantile enterocolitis-autoinflammatory syndrome; Familial cold autoinflammatory syndrome 4. Last evaluated: 2023-06-07. Review status: criteria provided, single submitter. Criteria: Invitae Variant Classification Sherloc (09022015). Collection method: clinical testing. Allele origin: germline.
Comment: In summary, the available evidence is currently insufficient to determine the role of this variant in disease. Therefore, it has been classified as a Variant of Uncertain Significance. Advanced modeling of protein sequence and biophysical properties (such as structural, functional, and spatial information, amino acid conservation, physicochemical variation, residue mobility, and thermodynamic stability) has been performed at Invitae for this missense variant, however the output from this modeling did not meet the statistical confidence thresholds required to predict the impact of this variant on NLRC4 protein function. This variant has not been reported in the literature in individuals affected with NLRC4-related conditions. This variant is not present in population databases (gnomAD no frequency). This sequence change replaces lysine, which is basic and polar, with arginine, which is basic and polar, at codon 444 of the NLRC4 protein (p.Lys444Arg).

NM_001199138.2(NLRC4):c.1331A>G (p.Lys444Arg)

Gene: NLRC4 (NLR family CARD domain containing 4; minus strand). Cytogenetic location: 2p22.3.
Variant type: single nucleotide variant.
Coding change: c.1331A>G on transcript NM_001199138.2 (MANE Select); coding-DNA position 1331, A replaced by G.
Protein change: p.Lys444Arg; replaces lysine 444 with arginine.
Molecular consequence: missense variant. On other transcripts: intron variant (1).
Genome position (GRCh38, 1-based): chr2:32,250,533, T>C on the plus strand (A>G on the coding strand, the complement: NLRC4 is on the minus strand). VCF-style: chr2-32250533-T-C. GRCh37 (hg19) VCF-style: chr2-32475602-T-C.
Other names: c.1331A>G, p.Lys444Arg (NM_001199139.2, NM_021209.5); c.262+1886A>G (NM_001302504.1); short protein forms K444R.
Identifiers: ClinVar variation 2948672 (VCV002948672.3), dbSNP rs1269189081, ClinGen allele CA346512696.
Genomic context (GRCh38, chr2:32,250,533, plus strand): 5'-GGCTCATGAGACGTCAATAAACTGCTGAGTCTTCGTCCTGCTGTGTACTCCTGGAATGAC[T>C]TGTGAAAGAATTTATACTTTGGCTTGAACCTTTGAGCTGTATATTTACAGAGGAGCCCAG-3'
Protein context (NP_001186067.1, residues 434-454): RFKPKYKFFH[Lys444Arg]SFQEYTAGRR